The following is an entry in ClinVar:

NM_000138.5(FBN1):c.2613A>C (p.Leu871Phe)

Gene: FBN1 (fibrillin 1; minus strand). Cytogenetic location: 15q21.1.
Variant type: single nucleotide variant.
Coding change: c.2613A>C on transcript NM_000138.5 (MANE Select); coding-DNA position 2613, A replaced by C.
Protein change: p.Leu871Phe; replaces leucine 871 with phenylalanine.
Molecular consequence: missense variant.
Genome position (GRCh38, 1-based): chr15:48,495,187, T>G on the plus strand (A>C on the coding strand, the complement: FBN1 is on the minus strand). VCF-style: chr15-48495187-T-G. GRCh37 (hg19) VCF-style: chr15-48787384-T-G.
Other names: short protein forms L871F.
Identifiers: ClinVar variation 667457 (VCV000667457.5), dbSNP rs770290542, ClinGen allele CA392332456.

ClinVar aggregate classification (germline): Uncertain significance. Review status: criteria provided, single submitter (1 of 4 stars). 2 submissions from 2 submitters: Uncertain significance (1). 1 of the submissions does not count toward it. Last evaluated 2025-07-02.

Conditions:
Congenital scoliosis. Identifiers: MedGen C0559260.
Familial thoracic aortic aneurysm and aortic dissection (TAAD). Also called: Thoracic aortic aneurysms and dissections. Identifiers: Orphanet 91387, MedGen C4707243, MONDO:0019625.

Submissions (2):

Color Diagnostics, LLC DBA Color Health
Classification: Uncertain significance for Familial thoracic aortic aneurysm and aortic dissection. Last evaluated: 2025-07-02. Review status: criteria provided, single submitter. Criteria: ACMG Guidelines, 2015. Collection method: clinical testing. Allele origin: germline.
Comment: This missense variant replaces leucine with phenylalanine at codon 871 of the FBN1 protein. Computational prediction is inconclusive regarding the impact of this variant on protein structure and function. To our knowledge, functional studies have not been reported for this variant. This variant has been reported in at least one individual affected with Marfan syndrome, who also carried a pathogenic variant in the same gene (PMID: 27234404, 31901832, 34422331, 34592602). This variant has been identified in 1/251422 chromosomes in the general population by the Genome Aggregation Database (gnomAD). The available evidence is insufficient to determine the role of this variant in disease conclusively. Therefore, this variant is classified as a Variant of Uncertain Significance.

Beijing Key Laboratory for Genetic Research of Skeletal Deformity, Peking Union Medical College Hospital
Classification: Pathogenic for Congenital scoliosis. Last evaluated: 2019-06-12. Review status: no assertion criteria provided. Collection method: research. Allele origin: germline. Affected: yes. Not counted in ClinVar's aggregate classification.

Literature cited by the submitters: PubMed 27234404 (cited by Color Diagnostics, LLC DBA Color Health); PubMed 31901832 (cited by Color Diagnostics, LLC DBA Color Health); PubMed 34422331 (cited by Color Diagnostics, LLC DBA Color Health); PubMed 34592602 (cited by Color Diagnostics, LLC DBA Color Health).